The following is an entry in ClinVar:

NM_001903.5(CTNNA1):c.588+8C>T

Gene: CTNNA1 (catenin alpha 1; plus strand). Cytogenetic location: 5q31.2.
Variant type: single nucleotide variant.
Coding change: c.588+8C>T on transcript NM_001903.5 (MANE Select); 8 bases into the intron after coding-DNA position 588, C replaced by T.
Molecular consequence: intron variant.
Genome position (GRCh38, 1-based): chr5:138,812,310, C>T. VCF-style: chr5-138812310-C-T. GRCh37 (hg19) VCF-style: chr5-138147999-C-T.
Other names: c.588+8C>T (NM_001323982.2, NM_001323984.2, NM_001290307.3 and 3 more transcripts); c.219+8C>T (NM_001290310.3); c.279+8C>T (NM_001290309.3).
Identifiers: ClinVar variation 707272 (VCV000707272.10), dbSNP rs1581119759, ClinGen allele CA915942593.
Genomic context (GRCh38, chr5:138,812,310, plus strand): 5'-CCCTAAAACCTGAAGTGGATAAGCTGAACATTATGGCAGCCAAAAGACAACAGGTACAGT[C>T]ATGATTTGGGGATATATTAAAGTTGTTCATTTTACTATCTAGAGGGAAAAACTCATTCTG-3'

ClinVar aggregate classification (germline): Likely benign. Review status: criteria provided, multiple submitters, no conflicts (2 of 4 stars). 2 submissions from 2 submitters: Likely benign (2). Last evaluated 2025-01-06.

Conditions:
Hereditary diffuse gastric adenocarcinoma (HDGC). Also called: DIFFUSE GASTRIC AND LOBULAR BREAST CANCER SYNDROME. Identifiers: Orphanet 26106, MedGen C1708349, MONDO:0007648, OMIM 137215.

gnomAD v4.1: 17 of 1,608,266 alleles (0.0011%); highest among the groups gnomAD compares: Non-Finnish European, 0.0014%; no homozygotes.

Submissions (2):

Labcorp Genetics (formerly Invitae), Labcorp
Classification: Likely benign. Last evaluated: 2025-01-06. Review status: criteria provided, single submitter. Criteria: Invitae Variant Classification Sherloc (09022015). Collection method: clinical testing. Allele origin: germline.

Myriad Genetics, Inc.
Classification: Likely benign for Hereditary diffuse gastric adenocarcinoma. Last evaluated: 2024-10-10. Review status: criteria provided, single submitter. Criteria: Myriad Autosomal Dominant, Autosomal Recessive and X-Linked Classification Criteria (2023). Collection method: clinical testing. Allele origin: unknown.
Comment: This variant is considered likely benign. This variant is intronic and is not expected to impact mRNA splicing.